The following is an entry in ClinVar:

ClinVar aggregate classification (germline): Pathogenic (1 of 4 stars; one submission).

Conditions:
GTP cyclohydrolase I deficiency. Identifiers: MedGen C0268467, MONDO:0100184.
Dystonia 5 (DRD). Also called: Dystonia, DOPA-responsive, with or without hyperphenylalaninemia; GTP Cyclohydrolase 1-Deficient Dopa-Responsive Dystonia; DYSTONIA, PROGRESSIVE, WITH DIURNAL VARIATION; DYSTONIA-PARKINSONISM WITH DIURNAL FLUCTUATION; DYT-GCH1. Identifiers: Orphanet 98808, MedGen C1851920, MONDO:0007495, OMIM 128230.

Submission:

Labcorp Genetics (formerly Invitae), Labcorp
Classification: Pathogenic for GTP cyclohydrolase I deficiency; Dystonia 5. Last evaluated: 2023-08-10. Review status: criteria provided, single submitter. Criteria: Invitae Variant Classification Sherloc (09022015). Collection method: clinical testing. Allele origin: germline.
Comment: ClinVar contains an entry for this variant (Variation ID: 937689). This missense change has been observed in individuals with dopa-responsive dystonia (PMID: 19332422, 23762320, 27619486). It has also been observed to segregate with disease in related individuals. This variant disrupts the p.Ala98 amino acid residue in GCH1. Other variant(s) that disrupt this residue have been observed in individuals with GCH1-related conditions (PMID: 19332422, 23762320, 27619486, 31213404, 33875303), which suggests that this may be a clinically significant amino acid residue. For these reasons, this variant has been classified as Pathogenic. Advanced modeling of protein sequence and biophysical properties (such as structural, functional, and spatial information, amino acid conservation, physicochemical variation, residue mobility, and thermodynamic stability) performed at Invitae indicates that this missense variant is not expected to disrupt GCH1 protein function. This sequence change replaces alanine, which is neutral and non-polar, with valine, which is neutral and non-polar, at codon 98 of the GCH1 protein (p.Ala98Val). This variant is not present in population databases (gnomAD no frequency).

Literature cited by the submitters: PubMed 19332422; PubMed 23762320; PubMed 27619486; PubMed 31213404; PubMed 33875303.

NM_000161.3(GCH1):c.293C>T (p.Ala98Val)

Gene: GCH1 (GTP cyclohydrolase 1; minus strand). Cytogenetic location: 14q22.2.
Variant type: single nucleotide variant.
Coding change: c.293C>T on transcript NM_000161.3 (MANE Select); coding-DNA position 293, C replaced by T.
Protein change: p.Ala98Val; replaces alanine 98 with valine.
Molecular consequence: missense variant.
Genome position (GRCh38, 1-based): chr14:54,902,371, G>A on the plus strand (C>T on the coding strand, the complement: GCH1 is on the minus strand). VCF-style: chr14-54902371-G-A. GRCh37 (hg19) VCF-style: chr14-55369089-G-A.
Other names: c.293C>T, p.Ala98Val (NM_001024024.2, NM_001024070.2, NM_001024071.2); short protein forms A98V.
Identifiers: ClinVar variation 937689 (VCV000937689.9), dbSNP rs2040580445, ClinGen allele CA389793641.